The following is an entry in ClinVar:

NM_020461.4(TUBGCP6):c.3257C>T (p.Ala1086Val)

Gene: TUBGCP6 (tubulin gamma complex component 6; minus strand). Cytogenetic location: 22q13.33.
Variant type: single nucleotide variant.
Coding change: c.3257C>T on transcript NM_020461.4 (MANE Select); coding-DNA position 3257, C replaced by T.
Protein change: p.Ala1086Val; replaces alanine 1086 with valine.
Molecular consequence: missense variant.
Genome position (GRCh38, 1-based): chr22:50,221,102, G>A on the plus strand (C>T on the coding strand, the complement: TUBGCP6 is on the minus strand). VCF-style: chr22-50221102-G-A. GRCh37 (hg19) VCF-style: chr22-50659531-G-A.
Other names: short protein forms A1086V.
Identifiers: ClinVar variation 1040191 (VCV001040191.6), dbSNP rs149389978, ClinGen allele CA10308006.

ClinVar aggregate classification (germline): Uncertain significance (1 of 4 stars; one submission).

Allele frequency attached by ClinVar (database versions not stated): TOPMed 0.00002; ESP Exome Variant Server 0.00008.
gnomAD v4.1: 116 of 1,613,084 alleles (0.0072%); highest among the groups gnomAD compares: Non-Finnish European, 0.0097%; no homozygotes.

Submission:

Labcorp Genetics (formerly Invitae), Labcorp
Classification: Uncertain significance. Last evaluated: 2021-09-01. Review status: criteria provided, single submitter. Criteria: Invitae Variant Classification Sherloc (09022015). Collection method: clinical testing. Allele origin: germline.
Comment: This sequence change replaces alanine with valine at codon 1086 of the TUBGCP6 protein (p.Ala1086Val). The alanine residue is weakly conserved and there is a small physicochemical difference between alanine and valine. This variant is present in population databases (rs149389978, ExAC 0.001%). This variant has not been reported in the literature in individuals affected with TUBGCP6-related conditions. Algorithms developed to predict the effect of missense changes on protein structure and function are either unavailable or do not agree on the potential impact of this missense change (SIFT: "Tolerated"; PolyPhen-2: "Probably Damaging"; Align-GVGD: "Class C0"). In summary, the available evidence is currently insufficient to determine the role of this variant in disease. Therefore, it has been classified as a Variant of Uncertain Significance.